The following is an entry in ClinVar:

NM_021930.6(RINT1):c.898C>A (p.Pro300Thr)

Gene: RINT1 (RAD50 interactor 1; plus strand). Cytogenetic location: 7q22.3.
Variant type: single nucleotide variant.
Coding change: c.898C>A on transcript NM_021930.6 (MANE Select); coding-DNA position 898, C replaced by A.
Protein change: p.Pro300Thr; replaces proline 300 with threonine.
Molecular consequence: missense variant. On other transcripts: 5 prime UTR variant (2), non-coding transcript variant (1), intron variant (1).
Genome position (GRCh38, 1-based): chr7:105,548,612, C>A. VCF-style: chr7-105548612-C-A. GRCh37 (hg19) VCF-style: chr7-105189059-C-A.
Other names: c.664C>A, p.Pro222Thr (NM_001346599.2); c.-122C>A (NM_001346600.2); c.-27C>A (NM_001346601.2); c.-27-1443C>A (NM_001346603.2); short protein forms P222T, P300T.
Identifiers: ClinVar variation 3227670 (VCV003227670.1), dbSNP rs773454248, ClinGen allele CA4426559.
Genomic context (GRCh38, chr7:105,548,612, plus strand): 5'-AGAGATGAATTACTTACTGAGCCAAAGCAACTCCCAGAAAAATACTCTCTTCCTGCCTCC[C>A]CTTCTGTCATCCTGCCCATCCAGGTTATGCTGACTCCTCTTCAGAAGAGGTTCAGGTATC-3'
Protein context (NP_068749.3, residues 290-310): LPEKYSLPAS[Pro300Thr]SVILPIQVML

ClinVar aggregate classification (germline): Uncertain significance (1 of 4 stars; one submission).

Allele frequency attached by ClinVar (database versions not stated): ExAC 0.00001.
gnomAD v4.1: 2 of 1,614,118 alleles (0.00012%); highest among the groups gnomAD compares: East Asian, 0.0022%; no homozygotes.

Submission:

Ambry Genetics
Classification: Uncertain significance. Last evaluated: 2023-12-01. Review status: criteria provided, single submitter. Criteria: Ambry Variant Classification Scheme 2023. Collection method: clinical testing. Allele origin: germline.
Comment: The p.P300T variant (also known as c.898C>A), located in coding exon 7 of the RINT1 gene, results from a C to A substitution at nucleotide position 898. The proline at codon 300 is replaced by threonine, an amino acid with highly similar properties. This amino acid position is conserved. In addition, this alteration is predicted to be tolerated by in silico analysis. Since supporting evidence is limited at this time, the clinical significance of this alteration remains unclear.